The following is an entry in ClinVar:

ClinVar aggregate classification (germline): Uncertain significance. Review status: criteria provided, multiple submitters, no conflicts (2 of 4 stars). 2 submissions from 2 submitters: Uncertain significance (2). Last evaluated 2025-05-02.

Conditions:
Inborn genetic diseases. Identifiers: MedGen C0950123, MeSH D030342.

gnomAD v4.1: 3 of 1,612,288 alleles (0.00019%); highest among the groups gnomAD compares: African/African-American, 0.004%; no homozygotes.

Submissions (2):

GeneDx
Classification: Uncertain significance. Last evaluated: 2025-05-02. Review status: criteria provided, single submitter. Criteria: GeneDx Variant Classification Process June 2021. Collection method: clinical testing. Allele origin: germline. Affected: yes.
Comment: Not observed at significant frequency in large population cohorts (gnomAD); In silico analysis suggests that this missense variant does not alter protein structure/function; Has not been previously published as pathogenic or benign to our knowledge

Ambry Genetics
Classification: Uncertain significance for Inborn genetic diseases. Last evaluated: 2024-03-30. Review status: criteria provided, single submitter. Criteria: Ambry Variant Classification Scheme 2023. Collection method: clinical testing. Allele origin: germline.

NM_017433.5(MYO3A):c.214C>A (p.Leu72Ile)

Gene: MYO3A (myosin IIIA; plus strand). Cytogenetic location: 10p12.1.
Variant type: single nucleotide variant.
Coding change: c.214C>A on transcript NM_017433.5 (MANE Select); coding-DNA position 214, C replaced by A.
Protein change: p.Leu72Ile; replaces leucine 72 with isoleucine.
Molecular consequence: missense variant.
Genome position (GRCh38, 1-based): chr10:25,954,919, C>A. VCF-style: chr10-25954919-C-A. GRCh37 (hg19) VCF-style: chr10-26243848-C-A.
Other names: c.214C>A, p.Leu72Ile (NM_001368265.1); short protein forms L72I.
Identifiers: ClinVar variation 3297840 (VCV003297840.2).